The following is an entry in ClinVar:

ClinVar aggregate classification (germline): Uncertain significance (1 of 4 stars; one submission).

Allele frequency attached by ClinVar (database versions not stated): ExAC 0.00002; gnomAD 0.00004; gnomAD exomes 0.00005; TOPMed 0.00004.
gnomAD v4.1: 83 of 1,613,972 alleles (0.0051%); highest among the groups gnomAD compares: South Asian, 0.0099%; no homozygotes.

Submission:

Labcorp Genetics (formerly Invitae), Labcorp
Classification: Uncertain significance. Last evaluated: 2025-09-24. Review status: criteria provided, single submitter. Criteria: Invitae Variant Classification Sherloc (09022015). Collection method: clinical testing. Allele origin: germline.
Comment: This sequence change replaces serine, which is neutral and polar, with leucine, which is neutral and non-polar, at codon 393 of the CLCN6 protein (p.Ser393Leu). This variant is present in population databases (rs765418358, gnomAD 0.01%). This variant has not been reported in the literature in individuals affected with CLCN6-related conditions. ClinVar contains an entry for this variant (Variation ID: 2960920). An algorithm developed to predict the effect of missense changes on protein structure and function (PolyPhen-2) suggests that this variant is likely to be disruptive. In summary, the available evidence is currently insufficient to determine the role of this variant in disease. Therefore, it has been classified as a Variant of Uncertain Significance.

NM_001286.5(CLCN6):c.1178C>T (p.Ser393Leu)

Gene: CLCN6 (Cl-/H+ antiporter 6; plus strand). Cytogenetic location: 1p36.22.
Variant type: single nucleotide variant.
Coding change: c.1178C>T on transcript NM_001286.5 (MANE Select); coding-DNA position 1178, C replaced by T.
Protein change: p.Ser393Leu; replaces serine 393 with leucine.
Molecular consequence: missense variant. On other transcripts: non-coding transcript variant (1).
Genome position (GRCh38, 1-based): chr1:11,829,252, C>T. VCF-style: chr1-11829252-C-T. GRCh37 (hg19) VCF-style: chr1-11889309-C-T.
Other names: c.1112C>T, p.Ser371Leu (NM_001256959.2); short protein forms S371L, S393L.
Identifiers: ClinVar variation 2960920 (VCV002960920.3), dbSNP rs765418358, ClinGen allele CA596382.